The following is an entry in ClinVar:

ClinVar aggregate classification (germline): Uncertain significance (1 of 4 stars; one submission).

Submission:

Labcorp Genetics (formerly Invitae), Labcorp
Classification: Uncertain significance. Last evaluated: 2023-08-17. Review status: criteria provided, single submitter. Criteria: Invitae Variant Classification Sherloc (09022015). Collection method: clinical testing. Allele origin: germline.
Comment: This sequence change replaces valine, which is neutral and non-polar, with leucine, which is neutral and non-polar, at codon 580 of the CLCN6 protein (p.Val580Leu). This variant is not present in population databases (gnomAD no frequency). This variant has not been reported in the literature in individuals affected with CLCN6-related conditions. An algorithm developed to predict the effect of missense changes on protein structure and function (PolyPhen-2) suggests that this variant is likely to be tolerated. In summary, the available evidence is currently insufficient to determine the role of this variant in disease. Therefore, it has been classified as a Variant of Uncertain Significance.

NM_001286.5(CLCN6):c.1738G>T (p.Val580Leu)

Gene: CLCN6 (chloride voltage-gated channel 6; plus strand). Cytogenetic location: 1p36.22.
Variant type: single nucleotide variant.
Coding change: c.1738G>T on transcript NM_001286.5 (MANE Select); coding-DNA position 1738, G replaced by T.
Protein change: p.Val580Leu; replaces valine 580 with leucine.
Molecular consequence: missense variant. On other transcripts: non-coding transcript variant (1).
Genome position (GRCh38, 1-based): chr1:11,834,535, G>T. VCF-style: chr1-11834535-G-T. GRCh37 (hg19) VCF-style: chr1-11894592-G-T.
Other names: c.1672G>T, p.Val558Leu (NM_001256959.2); short protein forms V558L, V580L.
Identifiers: ClinVar variation 2977793 (VCV002977793.3), dbSNP rs150830522, ClinGen allele CA338436141.